The following is an entry in ClinVar:

ClinVar aggregate classification (germline): Likely pathogenic (1 of 4 stars; one submission).

Conditions:
Hereditary cancer-predisposing syndrome. Also called: Neoplastic Syndromes, Hereditary; Tumor predisposition; Hereditary Cancer Syndrome; Hereditary neoplastic syndrome. Identifiers: Orphanet 140162, MedGen C0027672, MeSH D009386, MONDO:0015356.

Submission:

Ambry Genetics
Classification: Likely pathogenic for Hereditary cancer-predisposing syndrome. Last evaluated: 2025-12-01. Review status: criteria provided, single submitter. Criteria: Ambry Variant Classification Scheme 2023. Collection method: clinical testing. Allele origin: germline.
Comment: The c.353+3G>C intronic variant results from a G to C substitution 3 nucleotides after coding exon 4 in the PMS2 gene. This nucleotide position is not well conserved in available vertebrate species. In silico splice site analysis predicts that this alteration will weaken the native splice donor site. RNA studies have demonstrated that this alteration results in abnormal splicing in the set of samples tested (Ambry internal data). This variant is considered to be rare based on population cohorts in the Genome Aggregation Database (gnomAD). Based on the majority of available evidence to date, this variant is likely to be pathogenic.

NM_000535.7(PMS2):c.353+3G>C

Gene: PMS2 (PMS1 homolog 2, mismatch repair system component; minus strand). Cytogenetic location: 7p22.1.
Variant type: single nucleotide variant.
Coding change: c.353+3G>C on transcript NM_000535.7 (MANE Select); 3 bases into the intron after coding-DNA position 353, G replaced by C.
Molecular consequence: intron variant.
Genome position (GRCh38, 1-based): chr7:6,003,687, C>G on the plus strand (G>C on the coding strand, the complement: PMS2 is on the minus strand). VCF-style: chr7-6003687-C-G. GRCh37 (hg19) VCF-style: chr7-6043318-C-G.
Other names: c.35+285G>C (NM_001322008.2, NM_001406902.1, NM_001406883.1 and 4 more transcripts); c.-132+285G>C (NM_001406881.1, NM_001406900.1); c.-53+56G>C (NM_001406895.1, NM_001406904.1, NM_001406889.1 and 6 more transcripts); c.-53+3G>C (NM_001406911.1, NM_001322010.2, NM_001322004.2 and 13 more transcripts); c.-132+3G>C (NM_001406879.1, NM_001322015.2, NM_001406878.1 and 3 more transcripts); c.-532+3G>C (NM_001322012.2, NM_001322011.2); c.-52-1051G>C (NM_001406896.1); c.250+285G>C (NM_001406885.1); and 5 more.
Identifiers: ClinVar variation 4667655 (VCV004667655.1).